The following is an entry in ClinVar:

ClinVar aggregate classification (germline): Uncertain significance (1 of 4 stars; one submission).

Conditions:
Mitochondrial DNA depletion syndrome 13. Also called: FBXL4-Related Encephalomyopathic Mitochondrial DNA Depletion Syndrome; Mitochondrial DNA depletion syndrome 13 (encephalomyopathic type). Identifiers: Orphanet 369897, MedGen C3809592, MONDO:0014198, OMIM 615471.

Allele frequency attached by ClinVar (database versions not stated): gnomAD exomes 0.00001 and below 0.00001; TOPMed 0.00001; ExAC 0.00002; ESP Exome Variant Server 0.00015; gnomAD 0.00001.
gnomAD v4.1: 5 of 1,614,026 alleles (0.00031%); highest among the groups gnomAD compares: African/African-American, 0.0027%; no homozygotes.

Submission:

Wong Mito Lab, Molecular and Human Genetics, Baylor College of Medicine
Classification: Uncertain significance for Mitochondrial DNA depletion syndrome 13. Last evaluated: 2017-08-10. Review status: criteria provided, single submitter. Criteria: ACMG Guidelines, 2015. Collection method: reference population. Allele origin: germline.
Comment: The NM_012160.4:c.293G>A (NP_036292.2:p.Arg98Gln) [GRCH38: NC_000006.12:g.98926696C>T] variant in FBXL4 gene is interpretated to be a Uncertain Significance - Insufficient Evidence based on ACMG guidelines (PMID: 25741868). This variant meets one or more of the following evidence codes reported in the ACMG-guideline. PM2:This variant is absent in key population databases. Based on this evidence code ClinGen Pathogenicity Calculator (PMID:28081714) suggested that the variant is Uncertain Significance - Insufficient Evidence.

NM_001278716.2(FBXL4):c.293G>A (p.Arg98Gln)

Gene: FBXL4 (F-box and leucine rich repeat protein 4; minus strand). Cytogenetic location: 6q16.2.
Variant type: single nucleotide variant.
Coding change: c.293G>A on transcript NM_001278716.2 (MANE Select); coding-DNA position 293, G replaced by A.
Protein change: p.Arg98Gln; replaces arginine 98 with glutamine.
Molecular consequence: missense variant. On other transcripts: non-coding transcript variant (2).
Genome position (GRCh38, 1-based): chr6:98,926,696, C>T on the plus strand (G>A on the coding strand, the complement: FBXL4 is on the minus strand). VCF-style: chr6-98926696-C-T. GRCh37 (hg19) VCF-style: chr6-99374572-C-T.
Other names: c.293G>A, p.Arg98Gln (NM_012160.5); short protein forms R98Q.
Identifiers: ClinVar variation 437559 (VCV000437559.1), dbSNP rs149860873, ClinGen allele CA3933711.